The following is an entry in ClinVar:

ClinVar aggregate classification (germline): Uncertain significance (1 of 4 stars; one submission).

Submission:

Labcorp Genetics (formerly Invitae), Labcorp
Classification: Uncertain significance. Last evaluated: 2022-04-10. Review status: criteria provided, single submitter. Criteria: Invitae Variant Classification Sherloc (09022015). Collection method: clinical testing. Allele origin: germline.
Comment: This sequence change replaces serine, which is neutral and polar, with phenylalanine, which is neutral and non-polar, at codon 295 of the MYO5B protein (p.Ser295Phe). This variant is not present in population databases (gnomAD no frequency). This variant has not been reported in the literature in individuals affected with MYO5B-related conditions. Algorithms developed to predict the effect of missense changes on protein structure and function output the following: SIFT: "Deleterious"; PolyPhen-2: "Benign"; Align-GVGD: "Class C0". The phenylalanine amino acid residue is found in multiple mammalian species, which suggests that this missense change does not adversely affect protein function. In summary, the available evidence is currently insufficient to determine the role of this variant in disease. Therefore, it has been classified as a Variant of Uncertain Significance.

NM_001080467.3(MYO5B):c.884C>T (p.Ser295Phe)

Gene: MYO5B (myosin VB; minus strand). Cytogenetic location: 18q21.1.
Variant type: single nucleotide variant.
Coding change: c.884C>T on transcript NM_001080467.3 (MANE Select); coding-DNA position 884, C replaced by T.
Protein change: p.Ser295Phe; replaces serine 295 with phenylalanine.
Molecular consequence: missense variant.
Genome position (GRCh38, 1-based): chr18:49,984,780, G>A on the plus strand (C>T on the coding strand, the complement: MYO5B is on the minus strand). VCF-style: chr18-49984780-G-A. GRCh37 (hg19) VCF-style: chr18-47511150-G-A.
Other names: short protein forms S295F.
Identifiers: ClinVar variation 1364864 (VCV001364864.8), dbSNP rs2144300272, ClinGen allele CA402436562.